The following is an entry in ClinVar:

NM_005159.5(ACTC1):c.809-14_809-11delinsAA

Genes: GJD2-DT (GJD2 divergent transcript; plus strand), ACTC1 (actin alpha cardiac muscle 1; minus strand). Cytogenetic location: 15q14.
Variant type: Indel.
Coding change: c.809-14_809-11delinsAA on transcript NM_005159.5 (MANE Select); 14 bases into the intron before coding-DNA position 809 through 11 bases into the intron before coding-DNA position 809, TGAC replaced by AA.
Molecular consequence: intron variant.
Genome position (GRCh38, 1-based): chr15:34,791,306-34,791,309, GTCA replaced by TT on the plus strand (TGAC replaced by AA on the coding strand, the reverse complement: ACTC1 is on the minus strand). VCF-style: chr15-34791306-GTCA-TT. GRCh37 (hg19) VCF-style: chr15-35083507-GTCA-TT.
Other names: c.809-14_809-11delinsAA (NM_001406483.1, NM_001406482.1); c.368-14_368-11delinsAA (NM_001406485.1); c.674-14_674-11delinsAA (NM_001406484.1).
Identifiers: ClinVar variation 2774886 (VCV002774886.2), dbSNP rs2504177797, ClinGen allele CA2697554316.
Genomic context (GRCh38, chr15:34,791,306, plus strand): 5'-CTTCATGATGCTATTGTAAGTTGTTTCATGGATGCCAGCAGATTCCATACCTGGGAACGA[GTCA>TT]CACACACACACACACACACACACACACACACACACACACACACATCACAGTGCATTCAGG-3'

ClinVar aggregate classification (germline): Uncertain significance (1 of 4 stars; one submission).

Conditions:
Cardiomyopathy (CMYO). Also called: Cardiomyopathies. Identifiers: Orphanet 167848, MedGen C0878544, MONDO:0004994, HP:0001638. Inheritance: Various modes of inheritance.

Submission:

Color Diagnostics, LLC DBA Color Health
Classification: Uncertain significance for Cardiomyopathy. Last evaluated: 2022-05-23. Review status: criteria provided, single submitter. Criteria: ACMG Guidelines, 2015. Collection method: clinical testing. Allele origin: germline.
Comment: This variant replaces four nucleotides in intron 5 of the ACTC1 gene with another two nucleotides. To our knowledge, functional studies have not been reported for this variant. This variant has not been reported in individuals affected with cardiovascular disorders in the literature. This variant has not been identified in the general population by the Genome Aggregation Database (gnomAD). The available evidence is insufficient to determine the role of this variant in disease conclusively. Therefore, this variant is classified as a Variant of Uncertain Significance.